The following is an entry in ClinVar:

NM_015346.4(ZFYVE26):c.6736C>T (p.Gln2246Ter)

Gene: ZFYVE26 (zinc finger FYVE-type containing 26; minus strand). Cytogenetic location: 14q24.1.
Variant type: single nucleotide variant.
Coding change: c.6736C>T on transcript NM_015346.4 (MANE Select); coding-DNA position 6736, C replaced by T.
Protein change: p.Gln2246Ter; replaces glutamine 2246 with a stop codon.
Molecular consequence: nonsense.
Genome position (GRCh38, 1-based): chr14:67,755,998, G>A on the plus strand (C>T on the coding strand, the complement: ZFYVE26 is on the minus strand). VCF-style: chr14-67755998-G-A. GRCh37 (hg19) VCF-style: chr14-68222715-G-A.
Other names: short protein forms Q2246*.
Identifiers: ClinVar variation 1724272 (VCV001724272.2), dbSNP rs2503944266, ClinGen allele CA390161441.

ClinVar aggregate classification (germline): Likely pathogenic (1 of 4 stars; one submission).

Conditions:
Hereditary spastic paraplegia 15 (SPG15). Also called: SPASTIC PARAPLEGIA 15, AUTOSOMAL RECESSIVE; KJELLIN SYNDROME; SPASTIC PARAPLEGIA AND RETINAL DEGENERATION. Identifiers: Orphanet 100996, MedGen C1849128, MONDO:0010044, OMIM 270700.

Allele frequency attached by ClinVar (database versions not stated): gnomAD exomes below 0.00001.
gnomAD v4.1: 2 of 1,614,230 alleles (0.00012%); highest among the groups gnomAD compares: Non-Finnish European, 0.00017%; no homozygotes.

Submission:

Myriad Genetics, Inc.
Classification: Likely pathogenic for Hereditary spastic paraplegia 15. Last evaluated: 2022-02-03. Review status: criteria provided, single submitter. Criteria: Myriad Women's Health Autosomal Recessive and X-Linked Classification Criteria (2021). Collection method: clinical testing. Allele origin: unknown.
Comment: NM_015346.3(ZFYVE26):c.6736C>T(Q2246*) is expected to be pathogenic in the context of spastic paraplegia type 15. This variant is predicted to lead to an abnormal or absent protein product due to the creation of a premature termination codon in ZFYVE26, a gene where loss-of-function variants are known to be pathogenic. Please note: this variant was assessed in the context of healthy population screening.